The following is an entry in ClinVar:

NM_001080467.3(MYO5B):c.2047G>A (p.Val683Met)

Gene: MYO5B (myosin VB; minus strand). Cytogenetic location: 18q21.1.
Variant type: single nucleotide variant.
Coding change: c.2047G>A on transcript NM_001080467.3 (MANE Select); coding-DNA position 2047, G replaced by A.
Protein change: p.Val683Met; replaces valine 683 with methionine.
Molecular consequence: missense variant.
Genome position (GRCh38, 1-based): chr18:49,929,555, C>T on the plus strand (G>A on the coding strand, the complement: MYO5B is on the minus strand). VCF-style: chr18-49929555-C-T. GRCh37 (hg19) VCF-style: chr18-47455925-C-T.
Other names: short protein forms V683M.
Identifiers: ClinVar variation 1503984 (VCV001503984.8), dbSNP rs772367372, ClinGen allele CA8961249.

ClinVar aggregate classification (germline): Uncertain significance (1 of 4 stars; one submission).

Allele frequency attached by ClinVar (database versions not stated): gnomAD 0.00001; gnomAD exomes 0.00001 and 0.00002; ExAC 0.00002.
gnomAD v4.1: 29 of 1,608,360 alleles (0.0018%); highest among the groups gnomAD compares: Non-Finnish European, 0.0023%; no homozygotes.

Submission:

Labcorp Genetics (formerly Invitae), Labcorp
Classification: Uncertain significance. Last evaluated: 2021-01-20. Review status: criteria provided, single submitter. Criteria: Invitae Variant Classification Sherloc (09022015). Collection method: clinical testing. Allele origin: germline.
Comment: This sequence change replaces valine with methionine at codon 683 of the MYO5B protein (p.Val683Met). The valine residue is highly conserved and there is a small physicochemical difference between valine and methionine. This variant is present in population databases (rs772367372, ExAC 0.003%). This variant has not been reported in the literature in individuals with MYO5B-related conditions. Algorithms developed to predict the effect of missense changes on protein structure and function are either unavailable or do not agree on the potential impact of this missense change (SIFT: "Deleterious"; PolyPhen-2: "Probably Damaging"; Align-GVGD: "Class C0"). In summary, the available evidence is currently insufficient to determine the role of this variant in disease. Therefore, it has been classified as a Variant of Uncertain Significance.